The following is an entry in ClinVar:

ClinVar aggregate classification (germline): Conflicting classifications of pathogenicity. Review status: criteria provided, conflicting classifications (1 of 4 stars). 6 submissions from 6 submitters: Uncertain significance (2); Benign (1); Likely benign (2). 1 of the submissions does not count toward it. Last evaluated 2024-07-31.

Conditions:
Hecht syndrome (DA7). Also called: MOUTH, INABILITY TO OPEN COMPLETELY, AND SHORT FINGER-FLEXOR TENDONS; Dutch-Kentucky syndrome. Identifiers: Orphanet 3377, MedGen C0265226, MONDO:0008016, OMIM 158300. Disease mechanism: gain of function.
MYH8-related disorder. Also called: MYH8-related condition.

Allele frequency attached by ClinVar (database versions not stated): 1000 Genomes Project 30x 0.00031; 1000 Genomes Project 0.00040; ExAC 0.00067; gnomAD exomes 0.00069 and 0.00140; TOPMed 0.00076; gnomAD 0.00083 and 0.00085; ESP Exome Variant Server 0.00138.
gnomAD v4.1: 2,128 of 1,614,214 alleles (0.13%); highest among the groups gnomAD compares: Non-Finnish European, 0.17%; 5 homozygotes.

Submissions (6):

Ambry Genetics
Classification: Uncertain significance. Last evaluated: 2024-07-31. Review status: criteria provided, single submitter. Criteria: Ambry Variant Classification Scheme 2023. Collection method: clinical testing. Allele origin: germline.

GeneDx
Classification: Benign. Last evaluated: 2020-02-12. Review status: criteria provided, single submitter. Criteria: GeneDx Variant Classification Process June 2021. Collection method: clinical testing. Allele origin: germline. Affected: yes.

Labcorp Genetics (formerly Invitae), Labcorp
Classification: Likely benign. Last evaluated: 2019-12-31. Review status: criteria provided, single submitter. Criteria: Invitae Variant Classification Sherloc (09022015). Collection method: clinical testing. Allele origin: germline.

Illumina Laboratory Services, Illumina
Classification: Uncertain significance for Hecht syndrome. Last evaluated: 2018-01-12. Review status: criteria provided, single submitter. Criteria: ICSL Variant Classification Criteria 13 December 2019. Collection method: clinical testing. Allele origin: germline.

Genetic Services Laboratory, University of Chicago
Classification: Likely benign. Last evaluated: 2017-02-21. Review status: criteria provided, single submitter. Criteria: ACMG Guidelines, 2015. Collection method: clinical testing. Allele origin: germline. Affected: no.

PreventionGenetics, part of Exact Sciences
Classification: Likely benign for MYH8-related condition. Last evaluated: 2020-10-22. Review status: no assertion criteria provided. Collection method: clinical testing. Allele origin: germline. Not counted in ClinVar's aggregate classification.
Comment: This variant is classified as likely benign based on ACMG/AMP sequence variant interpretation guidelines (Richards et al. 2015 PMID: 25741868, with internal and published modifications).

NM_002472.3(MYH8):c.4042G>A (p.Glu1348Lys)

Genes: MYH8 (myosin heavy chain 8; minus strand), MYHAS (myosin heavy chain gene cluster antisense RNA; plus strand). Cytogenetic location: 17p13.1.
Variant type: single nucleotide variant.
Coding change: c.4042G>A on transcript NM_002472.3 (MANE Select); coding-DNA position 4042, G replaced by A.
Protein change: p.Glu1348Lys; replaces glutamic acid 1348 with lysine.
Molecular consequence: missense variant.
Genome position (GRCh38, 1-based): chr17:10,398,580, C>T on the plus strand (G>A on the coding strand, the complement: MYH8 is on the minus strand). VCF-style: chr17-10398580-C-T. GRCh37 (hg19) VCF-style: chr17-10301897-C-T.
Other names: short protein forms E1348K.
Identifiers: ClinVar variation 211564 (VCV000211564.20), dbSNP rs140562514, ClinGen allele CA207450.